The following is an entry in ClinVar:

ClinVar aggregate classification (germline): Conflicting classifications of pathogenicity. Review status: criteria provided, conflicting classifications (1 of 4 stars). 2 submissions from 2 submitters: Uncertain significance (1); Benign (1). Last evaluated 2025-08-03.

Conditions:
Tuberous sclerosis 2 (TSC2). Identifiers: Orphanet 805, MedGen C1860707, MONDO:0013199, OMIM 613254.
Hereditary cancer-predisposing syndrome. Also called: Neoplastic Syndromes, Hereditary; Hereditary neoplastic syndrome; Tumor predisposition; Hereditary Cancer Syndrome. Identifiers: Orphanet 140162, MedGen C0027672, MeSH D009386, MONDO:0015356.

Allele frequency attached by ClinVar (database versions not stated): gnomAD exomes below 0.00001.
gnomAD v4.1: 4 of 1,598,614 alleles (0.00025%); highest among the groups gnomAD compares: South Asian, 0.0022%; no homozygotes.

Submissions (2):

Labcorp Genetics (formerly Invitae), Labcorp
Classification: Benign for Tuberous sclerosis 2. Last evaluated: 2025-08-03. Review status: criteria provided, single submitter. Criteria: Invitae Variant Classification Sherloc (09022015). Collection method: clinical testing. Allele origin: germline.

Ambry Genetics
Classification: Uncertain significance for Hereditary cancer-predisposing syndrome. Last evaluated: 2025-06-06. Review status: criteria provided, single submitter. Criteria: Ambry Variant Classification Scheme 2023. Collection method: clinical testing. Allele origin: germline.
Comment: The p.N1488D variant (also known as c.4462A>G), located in coding exon 33 of the TSC2 gene, results from an A to G substitution at nucleotide position 4462. The asparagine at codon 1488 is replaced by aspartic acid, an amino acid with highly similar properties. This amino acid position is not well conserved in available vertebrate species. In addition, the in silico prediction for this alteration is inconclusive. Based on the available evidence, the clinical significance of this variant remains unclear.

NM_000548.5(TSC2):c.4462A>G (p.Asn1488Asp)

Gene: TSC2 (TSC complex subunit 2; plus strand). Cytogenetic location: 16p13.3.
Variant type: single nucleotide variant.
Coding change: c.4462A>G on transcript NM_000548.5 (MANE Select); coding-DNA position 4462, A replaced by G.
Protein change: p.Asn1488Asp; replaces asparagine 1488 with aspartic acid.
Molecular consequence: missense variant.
Genome position (GRCh38, 1-based): chr16:2,084,684, A>G. VCF-style: chr16-2084684-A-G. GRCh37 (hg19) VCF-style: chr16-2134685-A-G.
Other names: c.4261A>G, p.Asn1421Asp (NM_001077183.3); c.4393A>G, p.Asn1465Asp (NM_001114382.3); c.4153A>G, p.Asn1385Asp (NM_001318827.2); c.4117A>G, p.Asn1373Asp (NM_001318829.2); c.3730A>G, p.Asn1244Asp (NM_001318831.2); c.4294A>G, p.Asn1432Asp (NM_001318832.2); c.4264A>G, p.Asn1422Asp (NM_001363528.2); c.4330A>G, p.Asn1444Asp (NM_001370404.1); and 1 more; short protein forms N1432D, N1244D, N1422D, N1488D, N1444D, N1445D, N1465D, N1373D.
Identifiers: ClinVar variation 663537 (VCV000663537.12), dbSNP rs1203541600, ClinGen allele CA394302462.